The following is an entry in ClinVar:

ClinVar aggregate classification (germline): Uncertain significance. Review status: criteria provided, multiple submitters, no conflicts (2 of 4 stars). 2 submissions from 2 submitters: Uncertain significance (2). Last evaluated 2025-02-13.

Conditions:
Diabetes mellitus, transient neonatal, 1 (TNDM1). Also called: Diabetes Mellitus, 6q24-Related Transient Neonatal. Identifiers: Orphanet 99886, MedGen C1832386, MONDO:0011073, OMIM 601410.

Allele frequency attached by ClinVar (database versions not stated): gnomAD 0.00005; TOPMed 0.00006; ExAC 0.00007; ESP Exome Variant Server 0.00008; gnomAD exomes 0.00010 and 0.00018.

Submissions (2):

Labcorp Genetics (formerly Invitae), Labcorp
Classification: Uncertain significance. Last evaluated: 2025-02-13. Review status: criteria provided, single submitter. Criteria: Invitae Variant Classification Sherloc (09022015). Collection method: clinical testing. Allele origin: germline.
Comment: This sequence change replaces leucine, which is neutral and non-polar, with valine, which is neutral and non-polar, at codon 93 of the ZFP57 protein (p.Leu93Val). This variant is present in population databases (rs369213004, gnomAD 0.02%). This variant has not been reported in the literature in individuals affected with ZFP57-related conditions. ClinVar contains an entry for this variant (Variation ID: 356221). An algorithm developed to predict the effect of missense changes on protein structure and function outputs the following: PolyPhen-2: "Benign". The valine amino acid residue is found in multiple mammalian species, which suggests that this missense change does not adversely affect protein function. In summary, the available evidence is currently insufficient to determine the role of this variant in disease. Therefore, it has been classified as a Variant of Uncertain Significance.

Illumina Laboratory Services, Illumina
Classification: Uncertain significance for Diabetes mellitus, transient neonatal, 1. Last evaluated: 2018-01-13. Review status: criteria provided, single submitter. Criteria: ICSL Variant Classification Criteria 13 December 2019. Collection method: clinical testing. Allele origin: germline.

NM_001109809.5(ZFP57):c.277C>G (p.Leu93Val)

Gene: ZFP57 (ZFP57 zinc finger protein; minus strand). Cytogenetic location: 6p22.1.
Variant type: single nucleotide variant.
Coding change: c.277C>G on transcript NM_001109809.5 (MANE Select); coding-DNA position 277, C replaced by G.
Protein change: p.Leu93Val; replaces leucine 93 with valine.
Molecular consequence: missense variant.
Genome position (GRCh38, 1-based): chr6:29,675,461, G>C on the plus strand (C>G on the coding strand, the complement: ZFP57 is on the minus strand). VCF-style: chr6-29675461-G-C. GRCh37 (hg19) VCF-style: chr6-29643238-G-C.
Other names: c.61C>G, p.Leu21Val (NM_001366333.2); short protein forms L93V, L21V.
Identifiers: ClinVar variation 356221 (VCV000356221.10), dbSNP rs369213004, ClinGen allele CA3690853.
Genomic context (GRCh38, chr6:29,675,461, plus strand): 5'-TGTTTGGGAGATGGACAAACTCTCTCCACTGTTCCTCTTCTTGCTCAAGCTTGGTGATTA[G>C]CTCTGGCTTATGCAGAAAGATTCTGGCTGATGTGTGGGAATGAGAAAGAGTTGAGTTGGT-3'
Protein context (NP_001103279.2, residues 83-103): VARIFLHKPE[Leu93Val]ITKLEQEEEQ